The following is an entry in ClinVar:

NM_014283.5(SUCO):c.1338A>G (p.Ile446Met)

Gene: SUCO (SUN domain containing ossification factor; plus strand). Cytogenetic location: 1q24.3.
Variant type: single nucleotide variant.
Coding change: c.1338A>G on transcript NM_014283.5 (MANE Select); coding-DNA position 1338, A replaced by G.
Protein change: p.Ile446Met; replaces isoleucine 446 with methionine.
Molecular consequence: missense variant. On other transcripts: 5 prime UTR variant (1).
Genome position (GRCh38, 1-based): chr1:172,577,817, A>G. VCF-style: chr1-172577817-A-G. GRCh37 (hg19) VCF-style: chr1-172546957-A-G.
Other names: c.1227A>G, p.Ile409Met (NM_001282750.2); c.-192A>G (NM_001282751.2); c.1791A>G, p.Ile597Met (NM_016227.4); short protein forms I446M, I409M, I597M.
Identifiers: ClinVar variation 2135375 (VCV002135375.4), dbSNP rs1558195441, ClinGen allele CA343739221.

ClinVar aggregate classification (germline): Uncertain significance (1 of 4 stars; one submission).

gnomAD v4.1: 1 of 1,606,778 alleles (0.000062%); highest among the groups gnomAD compares: Non-Finnish European, 0.000085%; no homozygotes.

Submission:

Labcorp Genetics (formerly Invitae), Labcorp
Classification: Uncertain significance. Last evaluated: 2022-05-08. Review status: criteria provided, single submitter. Criteria: Invitae Variant Classification Sherloc (09022015). Collection method: clinical testing. Allele origin: germline.
Comment: Algorithms developed to predict the effect of missense changes on protein structure and function are either unavailable or do not agree on the potential impact of this missense change (SIFT: "Deleterious"; PolyPhen-2: "Probably Damaging"; Align-GVGD: "Class C0"). In summary, the available evidence is currently insufficient to determine the role of this variant in disease. Therefore, it has been classified as a Variant of Uncertain Significance. This variant has not been reported in the literature in individuals affected with SUCO-related conditions. This sequence change replaces isoleucine, which is neutral and non-polar, with methionine, which is neutral and non-polar, at codon 446 of the SUCO protein (p.Ile446Met). This variant is not present in population databases (gnomAD no frequency).